The following is an entry in ClinVar:

ClinVar aggregate classification (germline): Uncertain significance. Review status: criteria provided, multiple submitters, no conflicts (2 of 4 stars). 3 submissions from 3 submitters: Uncertain significance (3). Last evaluated 2024-12-03.

Conditions:
Inborn genetic diseases. Identifiers: MedGen C0950123, MeSH D030342.

Allele frequency attached by ClinVar (database versions not stated): gnomAD 0.00001; ExAC 0.00002; gnomAD exomes 0.00002 and 0.00005; TOPMed 0.00002.
gnomAD v4.1: 14 of 1,614,022 alleles (0.00087%); highest among the groups gnomAD compares: Admixed American, 0.023%; no homozygotes.

Submissions (3):

GeneDx
Classification: Uncertain significance. Last evaluated: 2024-12-03. Review status: criteria provided, single submitter. Criteria: GeneDx Variant Classification Process June 2021. Collection method: clinical testing. Allele origin: germline.
Comment: In silico analysis indicates that this missense variant does not alter protein structure/function; Has not been previously published as pathogenic or benign to our knowledge

Ambry Genetics
Classification: Uncertain significance for Inborn genetic diseases. Last evaluated: 2024-11-20. Review status: criteria provided, single submitter. Criteria: Ambry Variant Classification Scheme 2023. Collection method: clinical testing. Allele origin: germline.

Labcorp Genetics (formerly Invitae), Labcorp
Classification: Uncertain significance. Last evaluated: 2024-10-15. Review status: criteria provided, single submitter. Criteria: Invitae Variant Classification Sherloc (09022015). Collection method: clinical testing. Allele origin: germline.
Comment: This sequence change replaces methionine, which is neutral and non-polar, with isoleucine, which is neutral and non-polar, at codon 296 of the MYO3A protein (p.Met296Ile). This variant is present in population databases (rs751865849, gnomAD 0.03%). This variant has not been reported in the literature in individuals affected with MYO3A-related conditions. ClinVar contains an entry for this variant (Variation ID: 1405270). An algorithm developed to predict the effect of missense changes on protein structure and function outputs the following: PolyPhen-2: "Benign". The isoleucine amino acid residue is found in multiple mammalian species, which suggests that this missense change does not adversely affect protein function. In summary, the available evidence is currently insufficient to determine the role of this variant in disease. Therefore, it has been classified as a Variant of Uncertain Significance.

NM_017433.5(MYO3A):c.888G>A (p.Met296Ile)

Gene: MYO3A (myosin IIIA; plus strand). Cytogenetic location: 10p12.1.
Variant type: single nucleotide variant.
Coding change: c.888G>A on transcript NM_017433.5 (MANE Select); coding-DNA position 888, G replaced by A.
Protein change: p.Met296Ile; replaces methionine 296 with isoleucine.
Molecular consequence: missense variant.
Genome position (GRCh38, 1-based): chr10:26,026,467, G>A. VCF-style: chr10-26026467-G-A. GRCh37 (hg19) VCF-style: chr10-26315396-G-A.
Other names: c.888G>A (NM_017433.4); short protein forms M296I.
Identifiers: ClinVar variation 1405270 (VCV001405270.9), dbSNP rs751865849, ClinGen allele CA5444473.
Genomic context (GRCh38, chr10:26,026,467, plus strand): 5'-AACAGTGTCAGAACTTTTACAGCATAAATTCATTACTCAAATTGAGGGCAAAGATGTGAT[G>A]CTACAAAAACAACTAACGGAATTCATTGGCATCCATCAATGCATGGGAGGCACAGAAAAG-3'
Protein context (NP_059129.3, residues 286-306): FITQIEGKDV[Met296Ile]LQKQLTEFIG